The following is an entry in ClinVar:

NM_000135.4(FANCA):c.1810A>G (p.Ile604Val)

Gene: FANCA (FA complementation group A; minus strand). Cytogenetic location: 16q24.3.
Variant type: single nucleotide variant.
Coding change: c.1810A>G on transcript NM_000135.4 (MANE Select); coding-DNA position 1810, A replaced by G.
Protein change: p.Ile604Val; replaces isoleucine 604 with valine.
Molecular consequence: missense variant.
Genome position (GRCh38, 1-based): chr16:89,778,817, T>C on the plus strand (A>G on the coding strand, the complement: FANCA is on the minus strand). VCF-style: chr16-89778817-T-C. GRCh37 (hg19) VCF-style: chr16-89845225-T-C.
Other names: c.1810A>G, p.Ile604Val (NM_001286167.3); short protein forms I604V.
Identifiers: ClinVar variation 1000773 (VCV001000773.8), dbSNP rs2039604673, ClinGen allele CA397454434.

ClinVar aggregate classification (germline): Uncertain significance (1 of 4 stars; one submission).

Conditions:
Fanconi anemia (FA). Also called: Fanconi's anemia. Identifiers: Orphanet 84, MedGen C0015625, MeSH D005199, MONDO:0019391.

Allele frequency attached by ClinVar (database versions not stated): gnomAD exomes below 0.00001.
gnomAD v4.1: 1 of 1,614,010 alleles (0.000062%); highest among the groups gnomAD compares: Non-Finnish European, 0.000085%; no homozygotes.

Submission:

Labcorp Genetics (formerly Invitae), Labcorp
Classification: Uncertain significance for Fanconi anemia. Last evaluated: 2020-07-26. Review status: criteria provided, single submitter. Criteria: Invitae Variant Classification Sherloc (09022015). Collection method: clinical testing. Allele origin: germline.
Comment: This variant has not been reported in the literature in individuals with FANCA-related conditions. Algorithms developed to predict the effect of missense changes on protein structure and function output the following: SIFT: "Deleterious"; PolyPhen-2: "Benign"; Align-GVGD: "Class C0". The valine amino acid residue is found in multiple mammalian species, suggesting that this missense change does not adversely affect protein function. These predictions have not been confirmed by published functional studies and their clinical significance is uncertain. In summary, the available evidence is currently insufficient to determine the role of this variant in disease. Therefore, it has been classified as a Variant of Uncertain Significance. This variant is not present in population databases (ExAC no frequency). This sequence change replaces isoleucine with valine at codon 604 of the FANCA protein (p.Ile604Val). The isoleucine residue is highly conserved and there is a small physicochemical difference between isoleucine and valine.